The following is an entry in ClinVar:

NM_001130009.3(GEN1):c.2348T>C (p.Met783Thr)

Gene: GEN1 (GEN1 structure-specific endonuclease; plus strand). Cytogenetic location: 2p24.2.
Variant type: single nucleotide variant.
Coding change: c.2348T>C on transcript NM_001130009.3 (MANE Select); coding-DNA position 2348, T replaced by C.
Protein change: p.Met783Thr; replaces methionine 783 with threonine.
Molecular consequence: missense variant.
Genome position (GRCh38, 1-based): chr2:17,781,560, T>C. VCF-style: chr2-17781560-T-C. GRCh37 (hg19) VCF-style: chr2-17962827-T-C.
Other names: c.2348T>C (NM_001130009.1); c.2348T>C, p.Met783Thr (NM_182625.5); short protein forms M783T.
Identifiers: ClinVar variation 2893697 (VCV002893697.4), dbSNP rs1010441261, ClinGen allele CA345927846.

ClinVar aggregate classification (germline): Uncertain significance. Review status: criteria provided, multiple submitters, no conflicts (2 of 4 stars). 2 submissions from 2 submitters: Uncertain significance (2). Last evaluated 2025-02-14.

gnomAD v4.1: 6 of 1,613,944 alleles (0.00037%); highest among the groups gnomAD compares: African/African-American, 0.0013%; no homozygotes.

Submissions (2):

Ambry Genetics
Classification: Uncertain significance. Last evaluated: 2025-02-14. Review status: criteria provided, single submitter. Criteria: Ambry Variant Classification Scheme 2023. Collection method: clinical testing. Allele origin: germline.
Comment: The p.M783T variant (also known as c.2348T>C), located in coding exon 13 of the GEN1 gene, results from a T to C substitution at nucleotide position 2348. The methionine at codon 783 is replaced by threonine, an amino acid with similar properties. This amino acid position is conserved. In addition, this alteration is predicted to be tolerated by in silico analysis. Based on the available evidence, the clinical significance of this variant remains unclear.

Labcorp Genetics (formerly Invitae), Labcorp
Classification: Uncertain significance. Last evaluated: 2024-04-24. Review status: criteria provided, single submitter. Criteria: Invitae Variant Classification Sherloc (09022015). Collection method: clinical testing. Allele origin: germline.
Comment: This sequence change replaces methionine, which is neutral and non-polar, with threonine, which is neutral and polar, at codon 783 of the GEN1 protein (p.Met783Thr). This variant is present in population databases (no rsID available, gnomAD 0.0009%). This variant has not been reported in the literature in individuals affected with GEN1-related conditions. An algorithm developed to predict the effect of missense changes on protein structure and function (PolyPhen-2) suggests that this variant is likely to be tolerated. In summary, the available evidence is currently insufficient to determine the role of this variant in disease. Therefore, it has been classified as a Variant of Uncertain Significance.